The following is an entry in ClinVar:

ClinVar aggregate classification (germline): Uncertain significance (1 of 4 stars; one submission).

Conditions:
Spastic paraplegia. Identifiers: MedGen C0037772, HP:0001258.

Submission:

Labcorp Genetics (formerly Invitae), Labcorp
Classification: Uncertain significance for Spastic paraplegia. Last evaluated: 2023-10-03. Review status: criteria provided, single submitter. Criteria: Invitae Variant Classification Sherloc (09022015). Collection method: clinical testing. Allele origin: germline.
Comment: This sequence change falls in intron 19 of the KIF5A gene. It does not directly change the encoded amino acid sequence of the KIF5A protein. It affects a nucleotide within the consensus splice site. This variant is not present in population databases (gnomAD no frequency). This variant has not been reported in the literature in individuals affected with KIF5A-related conditions. Variants that disrupt the consensus splice site are a relatively common cause of aberrant splicing (PMID: 17576681, 9536098). Algorithms developed to predict the effect of sequence changes on RNA splicing suggest that this variant is not likely to affect RNA splicing. In summary, the available evidence is currently insufficient to determine the role of this variant in disease. Therefore, it has been classified as a Variant of Uncertain Significance.

Literature cited by the submitters: PubMed 17576681; PubMed 9536098.

NM_004984.4(KIF5A):c.2198+4A>G

Gene: KIF5A (kinesin family member 5A; plus strand). Cytogenetic location: 12q13.3.
Variant type: single nucleotide variant.
Coding change: c.2198+4A>G on transcript NM_004984.4 (MANE Select); 4 bases into the intron after coding-DNA position 2198, A replaced by G.
Molecular consequence: intron variant.
Genome position (GRCh38, 1-based): chr12:57,576,382, A>G. VCF-style: chr12-57576382-A-G. GRCh37 (hg19) VCF-style: chr12-57970165-A-G.
Other names: c.1931+4A>G (NM_001354705.2).
Identifiers: ClinVar variation 2797294 (VCV002797294.3), dbSNP rs2540509690, ClinGen allele CA2739272122.